The following is an entry in ClinVar:

ClinVar aggregate classification (germline): Conflicting classifications of pathogenicity. Review status: criteria provided, conflicting classifications (1 of 4 stars). 2 submissions from 2 submitters: Likely pathogenic (1); Uncertain significance (1). Last evaluated 2025-08-01.

Conditions:
Propionic acidemia (PROP). Also called: GLYCINEMIA, KETOTIC; HYPERGLYCINEMIA WITH KETOACIDOSIS AND LEUKOPENIA; KETOTIC HYPERGLYCINEMIA. Identifiers: Orphanet 35, MedGen C0268579, MONDO:0011628, OMIM 606054, HP:0003571.

Allele frequency attached by ClinVar (database versions not stated): gnomAD exomes below 0.00001.
gnomAD v4.1: 2 of 1,613,118 alleles (0.00012%); highest among the groups gnomAD compares: Non-Finnish European, 0.00017%; no homozygotes.

Submissions (2):

Women's Health and Genetics/Laboratory Corporation of America, LabCorp
Classification: Uncertain significance. Last evaluated: 2025-08-01. Review status: criteria provided, single submitter. Criteria: LabCorp Variant Classification Summary - May 2015. Collection method: clinical testing. Allele origin: germline.
Comment: Variant summary: PCCB c.1310G>A (p.Gly437Asp) results in a non-conservative amino acid change located in the Acetyl-coenzyme A carboxyltransferase, C-terminal domain (IPR011763) of the encoded protein sequence. Algorithms developed to predict the effect of missense changes on protein structure and function all suggest that this variant is likely to be disruptive. The variant was absent in 251330 control chromosomes. The available data on variant occurrences in the general population are insufficient to allow any conclusion about variant significance. To our knowledge, no occurrence of c.1310G>A in individuals affected with Propionic Acidemia and no experimental evidence demonstrating its impact on protein function have been reported. ClinVar contains an entry for this variant (Variation ID: 2901290). Based on the evidence outlined above, the variant was classified as uncertain significance.

Labcorp Genetics (formerly Invitae), Labcorp
Classification: Likely pathogenic for Propionic acidemia. Last evaluated: 2024-08-28. Review status: criteria provided, single submitter. Criteria: Invitae Variant Classification Sherloc (09022015). Collection method: clinical testing. Allele origin: germline.
Comment: This sequence change replaces glycine, which is neutral and non-polar, with aspartic acid, which is acidic and polar, at codon 437 of the PCCB protein (p.Gly437Asp). This variant is not present in population databases (gnomAD no frequency). This variant has not been reported in the literature in individuals affected with PCCB-related conditions. Invitae Evidence Modeling of protein sequence and biophysical properties (such as structural, functional, and spatial information, amino acid conservation, physicochemical variation, residue mobility, and thermodynamic stability) indicates that this missense variant is expected to disrupt PCCB protein function with a positive predictive value of 95%. This variant disrupts the p.Gly437 amino acid residue in PCCB. Other variant(s) that disrupt this residue have been determined to be pathogenic (PMID: 22033733; internal data). This suggests that this residue is clinically significant, and that variants that disrupt this residue are likely to be disease-causing. In summary, the currently available evidence indicates that the variant is pathogenic, but additional data are needed to prove that conclusively. Therefore, this variant has been classified as Likely Pathogenic.

Literature cited by the submitters: PubMed 22033733 (cited by Labcorp Genetics (formerly Invitae), Labcorp).

NM_000532.5(PCCB):c.1310G>A (p.Gly437Asp)

Gene: PCCB (propionyl-CoA carboxylase subunit beta; plus strand). Cytogenetic location: 3q22.3.
Variant type: single nucleotide variant.
Coding change: c.1310G>A on transcript NM_000532.5 (MANE Select); coding-DNA position 1310, G replaced by A.
Protein change: p.Gly437Asp; replaces glycine 437 with aspartic acid.
Molecular consequence: missense variant.
Genome position (GRCh38, 1-based): chr3:136,327,644, G>A. VCF-style: chr3-136327644-G-A. GRCh37 (hg19) VCF-style: chr3-136046486-G-A.
Other names: c.1370G>A, p.Gly457Asp (NM_001178014.2); short protein forms G457D, G437D.
Identifiers: ClinVar variation 2901290 (VCV002901290.5), dbSNP rs2529974099, ClinGen allele CA354649288.
Genomic context (GRCh38, chr3:136,327,644, plus strand): 5'-ATGATCTGGCTGTCTCAGGCTCTAACACTCAGCATTTGGATCTGTTTTAGGCCTATGGAG[G>A]TGCCTATGATGTCATGAGCTCTAAGCACCTTTGTGGTGATACCAACTATGCCTGGCCCAC-3'
Protein context (NP_000523.2, residues 427-447): VTVITRKAYG[Gly437Asp]AYDVMSSKHL